The following is an entry in ClinVar:

NM_000128.4(F11):c.1545G>A (p.Trp515Ter)

Genes: F11 (coagulation factor XI; plus strand), F11-AS1 (F11 antisense RNA 1; minus strand). Cytogenetic location: 4q35.2.
Variant type: single nucleotide variant.
Coding change: c.1545G>A on transcript NM_000128.4 (MANE Select); coding-DNA position 1545, G replaced by A.
Protein change: p.Trp515Ter; replaces tryptophan 515 with a stop codon.
Molecular consequence: nonsense. On other transcripts: intron variant (4).
Genome position (GRCh38, 1-based): chr4:186,286,479, G>A. VCF-style: chr4-186286479-G-A. GRCh37 (hg19) VCF-style: chr4-187207633-G-A.
Other names: c.1497G>A, p.Trp499Ter (NM_001440590.1); c.1275G>A, p.Trp425Ter (NM_001440605.1); c.1227G>A, p.Trp409Ter (NM_001440606.1); c.1480+666G>A (NM_001440593.1); c.1432+666G>A (NM_001440596.1); c.1210+666G>A (NM_001440607.1); c.1162+666G>A (NM_001440608.1); short protein forms W409*, W425*, W499*, W515*.
Identifiers: ClinVar variation 5013073 (VCV005013073.1).

ClinVar aggregate classification (germline): Pathogenic (1 of 4 stars; one submission).

Conditions:
Hereditary factor XI deficiency disease. Also called: PLASMA THROMBOPLASTIN ANTECEDENT DEFICIENCY; PTA DEFICIENCY; ROSENTHAL SYNDROME; Congenital factor XI deficiency. Identifiers: Orphanet 329, MedGen C0015523, MeSH D005173, MONDO:0012897, OMIM 612416.

Submission:

Myriad Genetics, Inc.
Classification: Pathogenic for Hereditary factor XI deficiency disease. Last evaluated: 2024-05-14. Review status: criteria provided, single submitter. Criteria: Myriad Autosomal Dominant, Autosomal Recessive and X-Linked Classification Criteria (2023). Collection method: clinical testing. Allele origin: unknown.
Comment: NM_000128.3(F11):c.1545G>A(W515*) is expected to be pathogenic in the context of factor XI deficiency. This variant is predicted to lead to an abnormal or absent protein product due to the creation of a premature termination codon in F11, a gene where loss-of-function variants are known to be pathogenic. Please note: this variant was assessed in the context of healthy population screening.